The following is an entry in ClinVar:

ClinVar aggregate classification (germline): Uncertain significance. Review status: criteria provided, multiple submitters, no conflicts (2 of 4 stars). 2 submissions from 2 submitters: Uncertain significance (2). Last evaluated 2022-09-14.

Allele frequency attached by ClinVar (database versions not stated): ExAC 0.00005; 1000 Genomes Project 30x 0.00016; gnomAD exomes 0.00002 and 0.00004; gnomAD 0.00003; TOPMed 0.00003.
gnomAD v4.1: 39 of 1,613,132 alleles (0.0024%); highest among the groups gnomAD compares: Middle Eastern, 0.017%; no homozygotes.

Submissions (2):

Labcorp Genetics (formerly Invitae), Labcorp
Classification: Uncertain significance. Last evaluated: 2022-09-14. Review status: criteria provided, single submitter. Criteria: Invitae Variant Classification Sherloc (09022015). Collection method: clinical testing. Allele origin: germline.
Comment: This sequence change replaces asparagine, which is neutral and polar, with serine, which is neutral and polar, at codon 83 of the EFL1 protein (p.Asn83Ser). This variant is present in population databases (rs779283225, gnomAD 0.007%). This variant has not been reported in the literature in individuals affected with EFL1-related conditions. ClinVar contains an entry for this variant (Variation ID: 1466155). Advanced modeling of protein sequence and biophysical properties (such as structural, functional, and spatial information, amino acid conservation, physicochemical variation, residue mobility, and thermodynamic stability) performed at Invitae indicates that this missense variant is not expected to disrupt EFL1 protein function. Algorithms developed to predict the effect of sequence changes on RNA splicing suggest that this variant may create or strengthen a splice site. In summary, the available evidence is currently insufficient to determine the role of this variant in disease. Therefore, it has been classified as a Variant of Uncertain Significance.

Breakthrough Genomics
Classification: Uncertain significance. Review status: criteria provided, single submitter. Criteria: ACMG Guidelines, 2015. Collection method: not provided. Allele origin: germline. Inheritance: Autosomal recessive inheritance. Affected: yes.

NM_024580.6(EFL1):c.248A>G (p.Asn83Ser)

Gene: EFL1 (elongation factor like GTPase 1; minus strand). Cytogenetic location: 15q25.2.
Variant type: single nucleotide variant.
Coding change: c.248A>G on transcript NM_024580.6 (MANE Select); coding-DNA position 248, A replaced by G.
Protein change: p.Asn83Ser; replaces asparagine 83 with serine.
Molecular consequence: missense variant. On other transcripts: 5 prime UTR variant (1), non-coding transcript variant (1).
Genome position (GRCh38, 1-based): chr15:82,241,400, T>C on the plus strand (A>G on the coding strand, the complement: EFL1 is on the minus strand). VCF-style: chr15-82241400-T-C. GRCh37 (hg19) VCF-style: chr15-82533741-T-C.
Other names: c.95A>G, p.Asn32Ser (NM_001040610.3); c.-542A>G (NM_001322844.2); c.248A>G, p.Asn83Ser (NM_001322845.2); short protein forms N32S, N83S.
Identifiers: ClinVar variation 1466155 (VCV001466155.6), dbSNP rs779283225, ClinGen allele CA7698323.